The following is an entry in ClinVar:

ClinVar aggregate classification (germline): Uncertain significance (1 of 4 stars; one submission).

Submission:

GeneDx
Classification: Uncertain significance. Last evaluated: 2025-03-16. Review status: criteria provided, single submitter. Criteria: GeneDx Variant Classification Process June 2021. Collection method: clinical testing. Allele origin: germline. Affected: yes.
Comment: Not observed at significant frequency in large population cohorts (gnomAD); In silico analysis indicates that this missense variant does not alter protein structure/function; Has not been previously published as pathogenic or benign to our knowledge

NM_024408.4(NOTCH2):c.5348C>T (p.Pro1783Leu)

Gene: NOTCH2 (notch receptor 2; minus strand). Cytogenetic location: 1p12.
Variant type: single nucleotide variant.
Coding change: c.5348C>T on transcript NM_024408.4 (MANE Select); coding-DNA position 5348, C replaced by T.
Protein change: p.Pro1783Leu; replaces proline 1783 with leucine.
Molecular consequence: missense variant.
Genome position (GRCh38, 1-based): chr1:119,920,360, G>A on the plus strand (C>T on the coding strand, the complement: NOTCH2 is on the minus strand). VCF-style: chr1-119920360-G-A. GRCh37 (hg19) VCF-style: chr1-120462983-G-A.
Other names: short protein forms P1783L.
Identifiers: ClinVar variation 4086725 (VCV004086725.1).
Genomic context (GRCh38, chr1:119,920,360, plus strand): 5'-GGTGTCCTACGGATGTCTGCAGCTTCAAGGTGCTGCTGTGTCCATGGCCGTCGATCAATG[G>A]GGTCATCTTCTTCTGAGAGTAAGGCCTCATCTTCAGCCTGAAAGGTGAAAACAATGCTCC-3'
Protein context (NP_077719.2, residues 1773-1793): DEALLSEEDD[Pro1783Leu]IDRRPWTQQH